The following is an entry in ClinVar:

NM_001904.4(CTNNB1):c.703G>A (p.Gly235Arg)

Genes: CTNNB1 (catenin beta 1; plus strand), LOC126806658 (BRD4-independent group 4 enhancer GRCh37_chr3:41265899-41267098; plus strand). Cytogenetic location: 3p22.1.
Variant type: single nucleotide variant.
Coding change: c.703G>A on transcript NM_001904.4 (MANE Select); coding-DNA position 703, G replaced by A.
Protein change: p.Gly235Arg; replaces glycine 235 with arginine.
Molecular consequence: missense variant.
Genome position (GRCh38, 1-based): chr3:41,225,541, G>A. VCF-style: chr3-41225541-G-A. GRCh37 (hg19) VCF-style: chr3-41267032-G-A.
Other names: c.703G>A, p.Gly235Arg (NM_001098209.2, NM_001098210.2); c.682G>A, p.Gly228Arg (NM_001330729.2); short protein forms G228R, G235R.
Identifiers: ClinVar variation 1098411 (VCV001098411.2), dbSNP rs2125623412, ClinGen allele CA352229889.

ClinVar aggregate classification (germline): Likely pathogenic (1 of 4 stars; one submission).

Submission:

Genetics Laboratory, UDIAT-Centre Diagnòstic, Hospital Universitari Parc Tauli
Classification: Likely pathogenic. Last evaluated: 2021-04-26. Review status: criteria provided, single submitter. Criteria: Parc Tauli Hospital Assertion Criteria 2021. Collection method: clinical testing. Allele origin: de novo. Inheritance: Autosomal dominant inheritance. Affected: yes. Observed: 1 heterozygote.
Comment: PM2_supporting;PM6_moderate;PP2_supporting;PP3_supporting